The following is an entry in ClinVar:

ClinVar aggregate classification (germline): Benign. Review status: criteria provided, multiple submitters, no conflicts (2 of 4 stars). 11 submissions from 10 submitters: Benign (9). 2 of the submissions do not count toward it. Last evaluated 2026-02-04.

Conditions:
Hereditary glaucoma, primary closed-angle. Also called: Glaucoma, primary closed-angle. Identifiers: MedGen C5394374, MONDO:0030038, OMIM 618880.
Knobloch syndrome (KNO). Also called: RETINAL DETACHMENT AND OCCIPITAL ENCEPHALOCELE; Myopia retinal detachment encephalocele. Identifiers: Orphanet 1571, MedGen C1849409, MONDO:0800166.

Allele frequency attached by ClinVar (database versions not stated): ESP Exome Variant Server 0.31287; TOPMed 0.31657; 1000 Genomes Project 0.31989; gnomAD 0.32112 and 0.32196; 1000 Genomes Project 30x 0.32480.
gnomAD v4.1: 494,429 of 1,613,522 alleles (31%); highest among the groups gnomAD compares: African/African-American, 37%; 76,375 homozygotes.

Submissions (11):

Labcorp Genetics (formerly Invitae), Labcorp
Classification: Benign. Last evaluated: 2026-02-04. Review status: criteria provided, single submitter. Criteria: Invitae Variant Classification Sherloc (09022015). Collection method: clinical testing. Allele origin: germline.

Blueprint Genetics
Classification: Benign. Last evaluated: 2024-11-28. Review status: criteria provided, single submitter. Criteria: ACMG Guidelines, 2015. Collection method: clinical testing. Allele origin: germline.

Genome-Nilou Lab
Classification: Benign for Knobloch syndrome 1. Last evaluated: 2021-07-22. Review status: criteria provided, single submitter. Criteria: ACMG Guidelines, 2015. Collection method: clinical testing. Allele origin: germline. Affected: no.

Genome-Nilou Lab
Classification: Benign for Hereditary glaucoma, primary closed-angle. Last evaluated: 2021-07-22. Review status: criteria provided, single submitter. Criteria: ACMG Guidelines, 2015. Collection method: clinical testing. Allele origin: germline. Affected: no.

GeneDx
Classification: Benign. Last evaluated: 2021-05-04. Review status: criteria provided, single submitter. Criteria: GeneDx Variant Classification Process June 2021. Collection method: clinical testing. Allele origin: germline. Affected: yes.

Illumina Laboratory Services, Illumina
Classification: Benign for Knobloch syndrome 1. Last evaluated: 2018-01-12. Review status: criteria provided, single submitter. Criteria: ICSL Variant Classification Criteria 13 December 2019. Collection method: clinical testing. Allele origin: germline.
Comment: This variant was observed in the ICSL laboratory as part of a predisposition screen in an ostensibly healthy population. It had not been previously curated by ICSL or reported in the Human Gene Mutation Database (HGMD: prior to June 1st, 2018), and was therefore a candidate for classification through an automated scoring system. Utilizing variant allele frequency, disease prevalence and penetrance estimates, and inheritance mode, an automated score was calculated to assess if this variant is too frequent to cause the disease. Based on the score and internal cut-off values, a variant classified as benign is not then subjected to further curation. The score for this variant resulted in a classification of benign for this disease.

Clinical Genetics DNA and cytogenetics Diagnostics Lab, Erasmus MC, Erasmus Medical Center
Classification: Benign for Knobloch syndrome 1. Last evaluated: 2017-06-28. Review status: criteria provided, single submitter. Criteria: ACGS Guidelines, 2013. Collection method: clinical testing. Allele origin: germline. Affected: yes. Study: VKGL Data-share Consensus.

Breakthrough Genomics
Classification: Benign. Review status: criteria provided, single submitter. Criteria: ACMG Guidelines, 2015. Collection method: not provided. Allele origin: germline. Inheritance: Autosomal recessive inheritance. Affected: yes.

PreventionGenetics, part of Exact Sciences
Classification: Benign. Review status: criteria provided, single submitter. Criteria: ACMG Guidelines, 2015. Collection method: clinical testing. Allele origin: germline.

Genome Diagnostics Laboratory, Amsterdam University Medical Center
Classification: Benign for Knobloch syndrome 1. Last evaluated: 2017-01-23. Review status: no assertion criteria provided. Criteria: ACGS Guidelines, 2013. Collection method: clinical testing. Allele origin: germline. Affected: yes. Study: VKGL Data-share Consensus. Not counted in ClinVar's aggregate classification.

Diagnostic Laboratory, Department of Genetics, University Medical Center Groningen
Classification: Benign for Knobloch syndrome 1. Review status: no assertion criteria provided. Collection method: clinical testing. Allele origin: germline. Affected: yes. Study: VKGL Data-share Consensus. Not counted in ClinVar's aggregate classification.

NM_001379500.1(COL18A1):c.1920T>C (p.Leu640=)

Gene: COL18A1 (collagen type XVIII alpha 1 chain; plus strand). Cytogenetic location: 21q22.3.
Variant type: single nucleotide variant.
Coding change: c.1920T>C on transcript NM_001379500.1 (MANE Select); coding-DNA position 1920, T replaced by C.
Protein change: p.Leu640=; no amino-acid change (leucine 640 retained).
Molecular consequence: synonymous variant.
Genome position (GRCh38, 1-based): chr21:45,488,441, T>C. VCF-style: chr21-45488441-T-C. GRCh37 (hg19) VCF-style: chr21-46908355-T-C.
Other names: NM_130445.2:c.1920T>C; c.2460T>C, p.Leu820= (NM_030582.4); c.3165T>C, p.Leu1055= (NM_130444.3).
Identifiers: ClinVar variation 261895 (VCV000261895.22), dbSNP rs11702425, ClinGen allele CA10066656.
Genomic context (GRCh38, chr21:45,488,441, plus strand): 5'-CAGCTGCACTAACACTGTGTCTCCTCTGCCCTGACAGGGACCTCCCGGCCTGCCGGGACT[T>C]AAGGTCAGTGACGGATATGTCTGGGTTTCTGTGGTTGCTGGCTTGGCCCTGTCTCGACAT-3'
Protein context (NP_001366429.1, residues 630-650): GPQGPPGLPG[Leu640=]KGDPGVPGLP